The following is an entry in ClinVar:

ClinVar aggregate classification (germline): Pathogenic/Likely pathogenic. Review status: criteria provided, multiple submitters, no conflicts (2 of 4 stars). 8 submissions from 8 submitters: Pathogenic (3); Likely pathogenic (3). 2 of the submissions do not count toward it. Last evaluated 2025-10-31.

Conditions:
Bardet-Biedl syndrome (BBS). Identifiers: Orphanet 110, MedGen C0752166, MONDO:0015229.
BBS2-related disorder. Also called: BBS2-related disorders; BBS2-related condition. Identifiers: MedGen CN239228.
Bardet-Biedl syndrome 2 (BBS2). Identifiers: Orphanet 110, MedGen C2936863, MONDO:0014432, OMIM 615981.

Allele frequency attached by ClinVar (database versions not stated): gnomAD exomes below 0.00001; ExAC 0.00001; gnomAD 0.00001; TOPMed 0.00001.
gnomAD v4.1: 8 of 1,613,706 alleles (0.0005%); highest among the groups gnomAD compares: South Asian, 0.0022%; no homozygotes.

Submissions (8):

PreventionGenetics, part of Exact Sciences
Classification: Pathogenic for BBS2-related condition. Last evaluated: 2025-10-31. Review status: criteria provided, single submitter. Criteria: ACMG Guidelines, 2015. Collection method: clinical testing. Allele origin: germline.
Comment: The BBS2 c.471G>A variant is not predicted to result in an amino acid change (p.=). This variant affects the last nucleotide of exon 3 and is predicted to disrupt the canonical splice donor site (SpliceAI, Jaganathan et al. 2019. PubMed ID: 30661751). This variant has been reported in the homozygous state or along with a second BBS2 variant in individuals Bardet-Biedl syndrome or retinitis pigmentosa (see for examples: Wang et al. 2014. PubMed ID: 24154662; Sanchez-Navarro et al. 2018. PubMed ID: 29588463; Table S4, Perea-Romero et al. 2022. PubMed ID: 35835773; Table S1, Schlottmann et al. 2023. PubMed ID: 37217489). Alternate variants of this same nucleotide (c.471G>T and c.471G>C) have also been reported in individuals with Bardet-Biedl syndrome (Deveault et al. 2011. PubMed ID: 21344540; Fattahi et al. 2014. PubMed ID: 24849935). This variant is present in 0.0040% of alleles in individuals of African descent in gnomAD. Given the evidence, we interpret this variant as pathogenic.

Women's Health and Genetics/Laboratory Corporation of America, LabCorp
Classification: Pathogenic for Bardet-Biedl syndrome. Last evaluated: 2025-10-20. Review status: criteria provided, single submitter. Criteria: LabCorp Variant Classification Summary - May 2015. Collection method: clinical testing. Allele origin: germline.
Comment: Variant summary: BBS2 c.471G>A (p.Thr157Thr) alters a conserved nucleotide located close to a canonical splice site and therefore could affect mRNA splicing, leading to a significantly altered protein sequence. Several computational tools predict a significant impact on normal splicing: Four predict the variant abolishes a canonical 5' splicing donor site. However, these predictions have yet to be confirmed by functional studies. The variant allele was found at a frequency of 4e-06 in 251298 control chromosomes. c.471G>A has been observed in multiple individuals affected with Bardet-Biedl Syndrome (example: Wang_2014, Sanchez-Navarro_2018, Milibari_2024, Feizabadi_2025, internal data). These data indicate that the variant is very likely to be associated with disease. The following publications have been ascertained in the context of this evaluation (PMID: 24154662, 29588463, 38927698, 38407766). ClinVar contains an entry for this variant (Variation ID: 551904). Based on the evidence outlined above, the variant was classified as pathogenic.

Natera, Inc.
Classification: Likely pathogenic for Bardet-Biedl syndrome type 2. Last evaluated: 2025-06-16. Review status: criteria provided, single submitter. Criteria: Natera Variant Classification Schema (03/2026). Collection method: clinical testing. Allele origin: germline.
Comment: The c.471G>A variant in BBS2 is a synonymous variant that does not alter the encoded amino acid at position 157 (p.T157=). This variant is rare in the general population with a frequency below the threshold expected for the associated phenotype(s). This variant has been observed in one or more individuals affected with the associated recessive disease, as either homozygous or compound heterozygous with a second variant (PMID: 38927698, 38374194, 34588515, 29588463). Additionally, this variant has been observed to segregate in affected family members (PMID: 38927698, 34588515, 21344540). Computational prediction algorithms indicate this variant is likely to affect gene or protein function. Given the available evidence, this variant is classified as Likely Pathogenic.

Baylor Genetics
Classification: Likely pathogenic for Bardet-Biedl syndrome 2. Last evaluated: 2024-03-27. Review status: criteria provided, single submitter. Criteria: ACMG Guidelines, 2015. Collection method: clinical testing. Allele origin: unknown.

Labcorp Genetics (formerly Invitae), Labcorp
Classification: Likely pathogenic for Bardet-Biedl syndrome. Last evaluated: 2023-03-14. Review status: criteria provided, single submitter. Criteria: Invitae Variant Classification Sherloc (09022015). Collection method: clinical testing. Allele origin: germline.
Comment: In summary, the currently available evidence indicates that the variant is pathogenic, but additional data are needed to prove that conclusively. Therefore, this variant has been classified as Likely Pathogenic. Variants that disrupt the consensus splice site are a relatively common cause of aberrant splicing (PMID: 17576681, 9536098). Algorithms developed to predict the effect of sequence changes on RNA splicing suggest that this variant may disrupt the consensus splice site. ClinVar contains an entry for this variant (Variation ID: 551904). This variant has been observed in individuals with Bardet-Biedl syndrome and/or retinitis pigmentosa (PMID: 24154662, 29588463; Invitae). This variant is present in population databases (rs749983428, gnomAD 0.003%). This sequence change affects codon 157 of the BBS2 mRNA. It is a 'silent' change, meaning that it does not change the encoded amino acid sequence of the BBS2 protein. This variant also falls at the last nucleotide of exon 3, which is part of the consensus splice site for this exon.

Blueprint Genetics
Classification: Pathogenic for BBS2-related disorders. Last evaluated: 2021-12-22. Review status: criteria provided, single submitter. Criteria: ACMG Guidelines, 2015. Collection method: clinical testing. Allele origin: germline. Affected: yes. Observed: 1 variant allele.

Counsyl
Classification: Uncertain significance for Bardet-Biedl syndrome 2. Last evaluated: 2017-05-16. Review status: no assertion criteria provided. Collection method: clinical testing. Allele origin: unknown. Not counted in ClinVar's aggregate classification.

Neuberg Centre For Genomic Medicine, NCGM
Classification: Uncertain significance for Bardet-Biedl syndrome 2. Review status: flagged submission. Criteria: ACMG Guidelines, 2015. Collection method: clinical testing. Allele origin: germline. Affected: yes. Not counted in ClinVar's aggregate classification.
Comment: The synonymous variant p.T157= in BBS2 (NM_031885.5) has been previously reported in an individual with retinis pigmentosa (Wang F et al). The variant has been submitted to ClinVar as Uncertain significance.The p.T157= variant is observed in 1/30,612 (0.0033%) alleles from individuals of South Asian background in gnomAD Exomes and is novel (not in any individuals) in 1000 Genomes. The variant affects an invariant splice nucleotide and hence may affect splicing. The p.T157= variant is predicted to disrupt splicing by 3 of 4 splice site algorithms. Since the variant is a synonymous change it is classified as Uncertain Significance.
ClinVar note: Reason: Older claim that does not account for recent evidence

Literature cited by the submitters: PubMed 29588463 (cited by 3 submitters); PubMed 24154662 (cited by 3 submitters); PubMed 38927698 (cited by Women's Health and Genetics/Laboratory Corporation of America, LabCorp and Natera, Inc.); PubMed 38407766 (cited by Women's Health and Genetics/Laboratory Corporation of America, LabCorp); PubMed 38374194 (cited by Natera, Inc.); PubMed 34588515 (cited by Natera, Inc.); PubMed 21344540 (cited by Natera, Inc.); PubMed 17576681 (cited by Labcorp Genetics (formerly Invitae), Labcorp); PubMed 9536098 (cited by Labcorp Genetics (formerly Invitae), Labcorp).

NM_031885.5(BBS2):c.471G>A (p.Thr157=)

Gene: BBS2 (Bardet-Biedl syndrome 2; minus strand). Cytogenetic location: 16q13.
Variant type: single nucleotide variant.
Coding change: c.471G>A on transcript NM_031885.5 (MANE Select); coding-DNA position 471, G replaced by A.
Protein change: p.Thr157=; no amino-acid change (threonine 157 retained).
Molecular consequence: synonymous variant. On other transcripts: non-coding transcript variant (5).
Genome position (GRCh38, 1-based): chr16:56,511,159, C>T on the plus strand (G>A on the coding strand, the complement: BBS2 is on the minus strand). VCF-style: chr16-56511159-C-T. GRCh37 (hg19) VCF-style: chr16-56545071-C-T.
Other names: c.471G>A, p.Thr157= (NM_001377456.1).
Identifiers: ClinVar variation 551904 (VCV000551904.15), dbSNP rs749983428, ClinGen allele CA8066045.